The following is an entry in ClinVar:

ClinVar aggregate classification (germline): Uncertain significance (1 of 4 stars; one submission).

Conditions:
Cardiomyopathy (CMYO). Also called: Cardiomyopathies. Identifiers: Orphanet 167848, MedGen C0878544, MONDO:0004994, HP:0001638. Inheritance: Various modes of inheritance.

Submission:

Color Diagnostics, LLC DBA Color Health
Classification: Uncertain significance for Cardiomyopathy. Last evaluated: 2023-12-04. Review status: criteria provided, single submitter. Criteria: ACMG Guidelines, 2015. Collection method: clinical testing. Allele origin: germline.
Comment: Variant of Uncertain Significance due to insufficient evidence: This missense variant is located in the cytoplasmic domain of the RYR2 protein. Computational prediction tools and conservation analyses are inconclusive regarding the impact of this variant on the protein function. Computational splicing tools suggest that this variant may not impact RNA splicing. To our knowledge, functional assays have not been performed for this variant nor has this variant been reported in individuals affected with cardiovascular disorders in the literature. This variant is rare in the general population and has been identified in 0/277264 chromosomes by the Genome Aggregation Database (gnomAD). Available evidence is insufficient to determine the pathogenicity of this variant conclusively.

NM_001035.3(RYR2):c.3875C>G (p.Ser1292Cys)

Genes: RYR2 (ryanodine receptor 2; plus strand), LOC126806067 (BRD4-independent group 4 enhancer GRCh37_chr1:237753258-237754457; plus strand). Cytogenetic location: 1q43.
Variant type: single nucleotide variant.
Coding change: c.3875C>G on transcript NM_001035.3 (MANE Select); coding-DNA position 3875, C replaced by G.
Protein change: p.Ser1292Cys; replaces serine 1292 with cysteine.
Molecular consequence: missense variant.
Genome position (GRCh38, 1-based): chr1:237,590,707, C>G. VCF-style: chr1-237590707-C-G. GRCh37 (hg19) VCF-style: chr1-237754007-C-G.
Other names: c.3875C>G, p.Ser1292Cys (LRG_402t1); short protein forms S1292C.
Identifiers: ClinVar variation 629723 (VCV000629723.4), dbSNP rs1559075982, ClinGen allele CA345397267.